The following is an entry in ClinVar:

NR_046473.1(MEG3):n.4628A>G

Gene: MEG3 (maternally expressed 3; plus strand). Cytogenetic location: 14q32.2.
Variant type: single nucleotide variant.
Molecular consequence: non-coding transcript variant (on NR_046473.1).
Genome position: GRCh38 VCF-style: chr14-100849244-A-G. GRCh37 (hg19) VCF-style: chr14-101315581-A-G.
Identifiers: ClinVar variation 3053740 (VCV003053740.2), dbSNP rs559316579, ClinGen allele CA266869570.

ClinVar aggregate classification (germline): Likely benign (0 of 4 stars; one submission).

Conditions:
MEG3-related disorder. Also called: MEG3-related condition.

Allele frequency attached by ClinVar (database versions not stated): 1000 Genomes Project 0.00040; 1000 Genomes Project 30x 0.00062; TOPMed 0.00101; gnomAD 0.00132.

Submission:

PreventionGenetics, part of Exact Sciences
Classification: Likely benign for MEG3-related condition. Last evaluated: 2023-03-19. Review status: no assertion criteria provided. Collection method: clinical testing. Allele origin: germline.
Comment: This variant is classified as likely benign based on ACMG/AMP sequence variant interpretation guidelines (Richards et al. 2015 PMID: 25741868, with internal and published modifications).